The following is an entry in ClinVar:

ClinVar aggregate classification (germline): Uncertain significance (1 of 4 stars; one submission).

Submission:

Labcorp Genetics (formerly Invitae), Labcorp
Classification: Uncertain significance. Last evaluated: 2022-04-10. Review status: criteria provided, single submitter. Criteria: Invitae Variant Classification Sherloc (09022015). Collection method: clinical testing. Allele origin: germline.
Comment: This sequence change replaces threonine, which is neutral and polar, with serine, which is neutral and polar, at codon 305 of the NACC1 protein (p.Thr305Ser). This variant is not present in population databases (gnomAD no frequency). This variant has not been reported in the literature in individuals affected with NACC1-related conditions. Algorithms developed to predict the effect of missense changes on protein structure and function (SIFT, PolyPhen-2, Align-GVGD) all suggest that this variant is likely to be tolerated. In summary, the available evidence is currently insufficient to determine the role of this variant in disease. Therefore, it has been classified as a Variant of Uncertain Significance.

NM_052876.4(NACC1):c.913A>T (p.Thr305Ser)

Gene: NACC1 (nucleus accumbens associated 1; plus strand). Cytogenetic location: 19p13.13.
Variant type: single nucleotide variant.
Coding change: c.913A>T on transcript NM_052876.4 (MANE Select); coding-DNA position 913, A replaced by T.
Protein change: p.Thr305Ser; replaces threonine 305 with serine.
Molecular consequence: missense variant.
Genome position (GRCh38, 1-based): chr19:13,136,120, A>T. VCF-style: chr19-13136120-A-T. GRCh37 (hg19) VCF-style: chr19-13246934-A-T.
Other names: short protein forms T305S.
Identifiers: ClinVar variation 2122978 (VCV002122978.4), dbSNP rs2513136434, ClinGen allele CA404326872.